The following is an entry in ClinVar:

NM_005591.4(MRE11):c.1106A>C (p.Tyr369Ser)

Gene: MRE11 (MRE11 double strand break repair nuclease; minus strand). Cytogenetic location: 11q21.
Variant type: single nucleotide variant.
Coding change: c.1106A>C on transcript NM_005591.4 (MANE Select); coding-DNA position 1106, A replaced by C.
Protein change: p.Tyr369Ser; replaces tyrosine 369 with serine.
Molecular consequence: missense variant.
Genome position (GRCh38, 1-based): chr11:94,464,232, T>G on the plus strand (A>C on the coding strand, the complement: MRE11 is on the minus strand). VCF-style: chr11-94464232-T-G. GRCh37 (hg19) VCF-style: chr11-94197398-T-G.
Other names: c.1106A>C, p.Tyr369Ser (NM_001330347.2, NM_005590.4); short protein forms Y369S.
Identifiers: ClinVar variation 2961662 (VCV002961662.3), dbSNP rs746283923, ClinGen allele CA6235149.

ClinVar aggregate classification (germline): Uncertain significance (1 of 4 stars; one submission).

Conditions:
Ataxia-telangiectasia-like disorder (ATLD). Identifiers: MedGen C1858391, MONDO:0011457.

gnomAD v4.1: 3 of 1,613,912 alleles (0.00019%); highest among the groups gnomAD compares: South Asian, 0.0033%; no homozygotes.

Submission:

Labcorp Genetics (formerly Invitae), Labcorp
Classification: Uncertain significance for Ataxia-telangiectasia-like disorder. Last evaluated: 2023-09-12. Review status: criteria provided, single submitter. Criteria: Invitae Variant Classification Sherloc (09022015). Collection method: clinical testing. Allele origin: germline.
Comment: In summary, the available evidence is currently insufficient to determine the role of this variant in disease. Therefore, it has been classified as a Variant of Uncertain Significance. This sequence change replaces tyrosine, which is neutral and polar, with serine, which is neutral and polar, at codon 369 of the MRE11 protein (p.Tyr369Ser). This variant is present in population databases (rs746283923, gnomAD 0.006%). This variant has not been reported in the literature in individuals affected with MRE11-related conditions. An algorithm developed to predict the effect of missense changes on protein structure and function (PolyPhen-2) suggests that this variant is likely to be disruptive.